The following is an entry in ClinVar:

NM_006269.2(RP1):c.2796A>G (p.Ile932Met)

Gene: RP1 (RP1 axonemal microtubule associated; plus strand). Cytogenetic location: 8q12.1.
Variant type: single nucleotide variant.
Coding change: c.2796A>G on transcript NM_006269.2 (MANE Select); coding-DNA position 2796, A replaced by G.
Protein change: p.Ile932Met; replaces isoleucine 932 with methionine.
Molecular consequence: missense variant. On other transcripts: intron variant (1).
Genome position (GRCh38, 1-based): chr8:54,626,678, A>G. VCF-style: chr8-54626678-A-G. GRCh37 (hg19) VCF-style: chr8-55539238-A-G.
Other names: c.787+4390A>G (NM_001375654.1); short protein forms I932M.
Identifiers: ClinVar variation 5000340 (VCV005000340.1).

ClinVar aggregate classification (germline): Uncertain significance (1 of 4 stars; one submission).

Conditions:
RP1-related disorder. Also called: RP1-related condition.

gnomAD v4.1: 5 of 1,613,978 alleles (0.00031%); highest among the groups gnomAD compares: Admixed American, 0.0033%; no homozygotes.

Submission:

PreventionGenetics, part of Exact Sciences
Classification: Uncertain significance for RP1-related condition. Last evaluated: 2026-09-01. Review status: criteria provided, single submitter. Criteria: ACMG Guidelines, 2015. Collection method: clinical testing. Allele origin: germline.
Comment: The RP1 c.2796A>G variant is predicted to result in the amino acid substitution p.Ile932Met. To our knowledge, this variant has not been reported in the literature. This variant is reported in 0.0062% of alleles in individuals of African descent in gnomAD. At this time, the clinical significance of this variant is uncertain due to the absence of conclusive functional and genetic evidence.